The following is an entry in ClinVar:

NM_004187.5(KDM5C):c.3754C>T (p.Arg1252Cys)

Gene: KDM5C (lysine demethylase 5C; minus strand). Cytogenetic location: Xp11.22.
Variant type: single nucleotide variant.
Coding change: c.3754C>T on transcript NM_004187.5 (MANE Select); coding-DNA position 3754, C replaced by T.
Protein change: p.Arg1252Cys; replaces arginine 1252 with cysteine.
Molecular consequence: missense variant. On other transcripts: non-coding transcript variant (3).
Genome position (GRCh38, 1-based): chrX:53,194,423, G>A on the plus strand (C>T on the coding strand, the complement: KDM5C is on the minus strand). VCF-style: chrX-53194423-G-A. GRCh37 (hg19) VCF-style: chrX-53223605-G-A.
Other names: NC_000023.10:g.53223605G>A; c.3553C>T, p.Arg1185Cys (NM_001146702.2); c.3751C>T, p.Arg1251Cys (NM_001282622.3, NM_001353979.2, NM_001353982.2); c.3754C>T, p.Arg1252Cys (NM_001353978.3, NM_001353981.2, NM_001353984.2); short protein forms R1185C, R1251C, R1252C.
Identifiers: ClinVar variation 3602927 (VCV003602927.3).

ClinVar aggregate classification (germline): Pathogenic (1 of 4 stars; one submission).

Submissions (3):

GeneDx
Classification: Pathogenic. Last evaluated: 2026-04-21. Review status: criteria provided, single submitter. Criteria: GeneDx Variant Classification Process June 2021. Collection method: clinical testing. Allele origin: germline.
Comment: Not observed at significant frequency in large population cohorts (gnomAD); In silico analysis supports that this missense variant has a deleterious effect on protein structure/function; In silico analysis suggests this variant may impact gene splicing. In the absence of RNA/functional studies, the actual effect of this sequence change is unknown.; This variant is associated with the following publications: (PMID: 41537560, 36066546)

Dr. Peter K. Rogan Lab, Western University
No classification provided (evidence only). Condition: Malignant tumor of urinary bladder. Review status: no classification provided. Collection method: in vitro. Allele origin: not applicable. Functional consequence: retained intron. Not counted in ClinVar's aggregate classification.

Dr. Peter K. Rogan Lab, Western University
No classification provided (evidence only). Condition: Nonpapillary renal cell carcinoma. Review status: no classification provided. Collection method: in vitro. Allele origin: not applicable. Functional consequence: retained intron. Not counted in ClinVar's aggregate classification.